The following is an entry in ClinVar:

NM_001134363.3(RBM20):c.3622G>T (p.Ala1208Ser)

Gene: RBM20 (RNA binding motif protein 20; plus strand). Cytogenetic location: 10q25.2.
Variant type: single nucleotide variant.
Coding change: c.3622G>T on transcript NM_001134363.3 (MANE Select); coding-DNA position 3622, G replaced by T.
Protein change: p.Ala1208Ser; replaces alanine 1208 with serine.
Molecular consequence: missense variant.
Genome position (GRCh38, 1-based): chr10:110,835,916, G>T. VCF-style: chr10-110835916-G-T. GRCh37 (hg19) VCF-style: chr10-112595674-G-T.
Other names: short protein forms A1208S.
Identifiers: ClinVar variation 2002992 (VCV002002992.4), dbSNP rs1307290007, ClinGen allele CA378388115.

ClinVar aggregate classification (germline): Uncertain significance (1 of 4 stars; one submission).

Conditions:
Dilated cardiomyopathy 1DD (CMD1DD). Identifiers: Orphanet 154, MedGen C2750995, MONDO:0013168, OMIM 613172.

Submission:

Labcorp Genetics (formerly Invitae), Labcorp
Classification: Uncertain significance for Dilated cardiomyopathy 1DD. Last evaluated: 2022-06-07. Review status: criteria provided, single submitter. Criteria: Invitae Variant Classification Sherloc (09022015). Collection method: clinical testing. Allele origin: germline.
Comment: This sequence change replaces alanine, which is neutral and non-polar, with serine, which is neutral and polar, at codon 1208 of the RBM20 protein (p.Ala1208Ser). This variant is not present in population databases (gnomAD no frequency). This variant has not been reported in the literature in individuals affected with RBM20-related conditions. Advanced modeling of protein sequence and biophysical properties (such as structural, functional, and spatial information, amino acid conservation, physicochemical variation, residue mobility, and thermodynamic stability) performed at Invitae indicates that this missense variant is not expected to disrupt RBM20 protein function. In summary, the available evidence is currently insufficient to determine the role of this variant in disease. Therefore, it has been classified as a Variant of Uncertain Significance.